The following is an entry in ClinVar:

ClinVar aggregate classification (germline): Benign (1 of 4 stars; one submission).

Conditions:
Rhizomelic chondrodysplasia punctata type 3 (RCDP3). Also called: ALKYLDIHYDROXYACETONEPHOSPHATE SYNTHASE DEFICIENCY; Alkylglycerone Phosphate Synthase (AGPS) deficiency. Identifiers: Orphanet 177, Orphanet 309803, MedGen C1838612, MONDO:0010823, OMIM 600121. Disease mechanism: loss of function.

Allele frequency attached by ClinVar (database versions not stated): gnomAD 0.00071 and 0.00090; TOPMed 0.00118; 1000 Genomes Project 30x 0.00437; 1000 Genomes Project 0.00439.

Submission:

Illumina Laboratory Services, Illumina
Classification: Benign for Rhizomelic chondrodysplasia punctata type 3. Last evaluated: 2018-01-12. Review status: criteria provided, single submitter. Criteria: ICSL Variant Classification Criteria 13 December 2019. Collection method: clinical testing. Allele origin: germline.
Comment: This variant was observed in the ICSL laboratory as part of a predisposition screen in an ostensibly healthy population. It had not been previously curated by ICSL or reported in the Human Gene Mutation Database (HGMD: prior to June 1st, 2018), and was therefore a candidate for classification through an automated scoring system. Utilizing variant allele frequency, disease prevalence and penetrance estimates, and inheritance mode, an automated score was calculated to assess if this variant is too frequent to cause the disease. Based on the score and internal cut-off values, a variant classified as benign is not then subjected to further curation. The score for this variant resulted in a classification of benign for this disease.

NM_003659.4(AGPS):c.*3045C>T

Gene: AGPS (alkylglycerone phosphate synthase; plus strand). Cytogenetic location: 2q31.2.
Variant type: single nucleotide variant.
Coding change: c.*3045C>T on transcript NM_003659.4 (MANE Select); 3045 bases downstream of the stop codon, C replaced by T.
Molecular consequence: 3 prime UTR variant.
Genome position (GRCh38, 1-based): chr2:177,541,240, C>T. VCF-style: chr2-177541240-C-T. GRCh37 (hg19) VCF-style: chr2-178405968-C-T.
Identifiers: ClinVar variation 332578 (VCV000332578.5), dbSNP rs147676340, ClinGen allele CA10611534.